The following is an entry in ClinVar:

ClinVar aggregate classification (germline): Pathogenic. Review status: criteria provided, multiple submitters, no conflicts (2 of 4 stars). 10 submissions from 10 submitters: Pathogenic (7). 3 of the submissions do not count toward it. Last evaluated 2025-06-08.
ClinVar aggregate classification (oncogenicity): Oncogenic (1 of 4 stars; one submission).

Conditions:
Hereditary cancer-predisposing syndrome. Also called: Hereditary neoplastic syndrome; Neoplastic Syndromes, Hereditary; Tumor predisposition; Hereditary Cancer Syndrome. Identifiers: Orphanet 140162, MedGen C0027672, MeSH D009386, MONDO:0015356.
Meningioma. Also called: Meningioma, somatic. Identifiers: Orphanet 2495, MedGen C0025286, MONDO:0016642, HP:0002858.
Neurofibromatosis, type 2 (SWNV). Also called: NF2-Related Schwannomatosis; BILATERAL ACOUSTIC NEUROFIBROMATOSIS; SCHWANNOMATOSIS, VESTIBULAR. Identifiers: Orphanet 637, MedGen C0027832, MONDO:0007039, OMIM 101000. Disease mechanism: loss of function.

Submissions (11):

Labcorp Genetics (formerly Invitae), Labcorp
Classification: Pathogenic for Neurofibromatosis, type 2. Last evaluated: 2025-06-08. Review status: criteria provided, single submitter. Criteria: Invitae Variant Classification Sherloc (09022015). Collection method: clinical testing. Allele origin: germline.
Comment: This sequence change creates a premature translational stop signal (p.Arg57*) in the NF2 gene. It is expected to result in an absent or disrupted protein product. Loss-of-function variants in NF2 are known to be pathogenic (PMID: 9643284, 16983642). This variant is not present in population databases (gnomAD no frequency). This premature translational stop signal has been observed in individual(s) with neurofibromatosis type 2 (PMID: 8379998, 8882871, 9884492, 18033041, 26073919). Invitae Evidence Modeling of clinical and family history, age, sex, and reported ancestry of multiple individuals with this NF2 variant has been performed. This variant is expected to be pathogenic with a positive predictive value of at least 99%. This is a validated machine learning model that incorporates the clinical features of 14,809 individuals referred to our laboratory for NF2 testing. ClinVar contains an entry for this variant (Variation ID: 3285). For these reasons, this variant has been classified as Pathogenic.

Dr. Guy Rouleau's laboratory, McGill University
Classification: Oncogenic for Meningioma. Last evaluated: 2025-03-30. Review status: criteria provided, single submitter. Criteria: ClinGen/CGC/VICC Guidelines for Oncogenicity, 2022. Collection method: research. Allele origin: somatic. Affected: yes.
Comment: This nonsense variant generates a premature translational stop signal (p.Arg57Ter) in the NF2 gene, which is expected to result in an absent or disrupted protein product. Loss-of-function variants in NF2 are well-documented as pathogenic (PMIDs: 8755919, 9643284, 16983642). This somatic variant was identified in a paired tumor-blood sequencing study of meningiomas. It has also been reported in neurofibromatosis type 2 and meningiomas (PMIDs: 7913580, 8379998, 8655144, 8755919, 8882871, 9643284, 12566519, 15609345, 15684865, 16612978, 18033041, 21294614, 22295085, 23196945, 29781505, 31273341, 33067351 ). However, it has not been reported in population databases (gnomAD v2.1.1: no frequency).

ENT and Head and Neck Research Center and Department,  The Five Senses Health Institute, Iran University of Medical Sciences
Classification: Pathogenic for Neurofibromatosis, type 2. Last evaluated: 2024-08-18. Review status: criteria provided, single submitter. Criteria: ACMG Guidelines, 2015. Collection method: clinical testing. Allele origin: de novo. Affected: yes.
Comment: PVS1: Null variant (nonsense) in gene NF2, predicted to cause NMD. Loss-of-function is a known mechanism of disease (gene has 273 reported pathogenic LOF variants). The exon affects 1 functional domain: UniProt protein MERL_HUMAN domain 'FERM'. The exon contains 20 pathogenic variants. The truncated region contains 276 pathogenic variants. PP5: Combined evidence strength is Very Strong (score = 8).Very Strong: ClinVar classifies this variant as Pathogenic, 2 stars (reviewed May '24, 9 submissions of which 3 are from high confidence submitters), citing 11 articles (33067351, 31273341, 29781505, 26073919, 23196945 and 6 more). PM2: Variant not found in gnomAD genomes

GeneDx
Classification: Pathogenic. Last evaluated: 2023-02-07. Review status: criteria provided, single submitter. Criteria: GeneDx Variant Classification Process June 2021. Collection method: clinical testing. Allele origin: germline. Affected: yes.
Comment: Nonsense variant predicted to result in protein truncation or nonsense mediated decay in a gene for which loss-of-function is a known mechanism of disease; Not observed at significant frequency in large population cohorts (gnomAD); This variant is associated with the following publications: (PMID: 16612978, 22760943, 21492294, 33067351, 8379998, 25525159, 9643284, 8655144, 12011146, 18554169, 15609345, 10771486, 23196945, 23921927, 10850863, 31273341)

Ambry Genetics
Classification: Pathogenic for Hereditary cancer-predisposing syndrome. Last evaluated: 2022-06-08. Review status: criteria provided, single submitter. Criteria: Ambry Variant Classification Scheme 2023. Collection method: clinical testing. Allele origin: germline.
Comment: The p.R57* pathogenic mutation (also known as c.169C>T), located in coding exon 2 of the NF2 gene, results from a C to T substitution at nucleotide position 169. This changes the amino acid from an arginine to a stop codon within coding exon 2. This mutation has been detected in multiple patients with Neurofibromatosis type 2 (NF2) (Rouleau GA et al. Nature, 1993 Jun;363:515-21; Kluwe L et al. Hum Genet, 1996 Nov;98:534-8; Evans DG et al. J Med Genet, 1998 Jun;35:450-5; Plotkin SR et al. J Neurosurg Spine, 2011 Apr;14:543-7; Goutagny S et al. Neuro Oncol, 2012 Aug;14:1090-6; Barrett VJ et al. J Neuroophthalmol, 2012 Dec;32:329-31; Pasmant E et al. Neurochirurgie, 2018 Nov;64:335-341; Lascelles K et al. Dev Med Child Neurol, 2018 12;60:1285-1288; Evans DG et al. Genet Med, 2020 01;22:53-59; Teranishi Y et al. J Med Genet, 2021 10;58:701-711). In addition to the clinical data presented in the literature, this alteration is expected to result in loss of function by premature protein truncation or nonsense-mediated mRNA decay. As such, this alteration is interpreted as a disease-causing mutation.

Genome-Nilou Lab
Classification: Pathogenic for Neurofibromatosis, type 2. Last evaluated: 2021-11-07. Review status: criteria provided, single submitter. Criteria: ACMG Guidelines, 2015. Collection method: clinical testing. Allele origin: germline. Affected: no.

Women's Health and Genetics/Laboratory Corporation of America, LabCorp
Classification: Pathogenic for Neurofibromatosis, type 2. Last evaluated: 2019-08-13. Review status: criteria provided, single submitter. Criteria: LabCorp Variant Classification Summary - May 2015. Collection method: clinical testing. Allele origin: germline.
Comment: Variant summary: NF2 c.169C>T (p.Arg57X) results in a premature termination codon, predicted to cause a truncation of the encoded protein or absence of the protein due to nonsense mediated decay, which are commonly known mechanisms for disease. Truncations downstream of this position have been classified as pathogenic by our laboratory. The variant was absent in 251490 control chromosomes. c.169C>T has been reported in the literature in multiple individuals affected with Neurofibromatosis Type 2 (Rouleau_1993, Kluwe_1996, Evans_1998, Goutagny_2012) . These data indicate that the variant is very likely to be associated with disease. To our knowledge, no experimental evidence demonstrating an impact on protein function has been reported. Two clinical diagnostic laboratories have submitted clinical-significance assessments for this variant to ClinVar (after 2014) and classified the variant as pathogenic. Based on the evidence outlined above, the variant was classified as pathogenic.

Center for Human Genetics, Inc
Classification: Pathogenic for Neurofibromatosis, type 2. Last evaluated: 2016-11-01. Review status: criteria provided, single submitter. Criteria: ACMG Guidelines, 2015. Collection method: clinical testing. Allele origin: germline. Affected: yes.

OMIM
Classification: Pathogenic for MENINGIOMA, SOMATIC. Last evaluated: 1995-03-01. Review status: no assertion criteria provided. Collection method: literature only. Allele origin: somatic. Not counted in ClinVar's aggregate classification.

Clinical Genetics DNA and cytogenetics Diagnostics Lab, Erasmus MC, Erasmus Medical Center
Classification: Pathogenic. Review status: no assertion criteria provided. Collection method: clinical testing. Allele origin: germline. Affected: yes. Study: VKGL Data-share Consensus. Not counted in ClinVar's aggregate classification.

Joint Genome Diagnostic Labs from Nijmegen and Maastricht, Radboudumc and MUMC+
Classification: Pathogenic. Review status: no assertion criteria provided. Collection method: clinical testing. Allele origin: germline. Affected: yes. Study: VKGL Data-share Consensus. Not counted in ClinVar's aggregate classification.

Literature cited by the submitters: PubMed 9643284 (cited by 3 submitters); PubMed 16983642 (cited by Labcorp Genetics (formerly Invitae), Labcorp); PubMed 8379998 (cited by 3 submitters); PubMed 8882871 (cited by 3 submitters); PubMed 9884492 (cited by Labcorp Genetics (formerly Invitae), Labcorp); PubMed 18033041 (cited by Labcorp Genetics (formerly Invitae), Labcorp); PubMed 26073919 (cited by Labcorp Genetics (formerly Invitae), Labcorp and Ambry Genetics); PubMed 40249415 (cited by ENT and Head and Neck Research Center and Department,  The Five Senses Health Institute, Iran University of Medical Sciences); PubMed 21294614 (cited by Ambry Genetics); PubMed 22711605 (cited by Ambry Genetics and Women's Health and Genetics/Laboratory Corporation of America, LabCorp); PubMed 23196945 (cited by Ambry Genetics); PubMed 29781505 (cited by Ambry Genetics); PubMed 31273341 (cited by Ambry Genetics); PubMed 33067351 (cited by Ambry Genetics); PubMed 9718334 (cited by Women's Health and Genetics/Laboratory Corporation of America, LabCorp); PubMed 7868131 (cited by OMIM).

NM_000268.4(NF2):c.169C>T (p.Arg57Ter)

Gene: NF2 (NF2, moesin-ezrin-radixin like (MERLIN) tumor suppressor; plus strand). Cytogenetic location: 22q12.2.
Variant type: single nucleotide variant.
Coding change: c.169C>T on transcript NM_000268.4 (MANE Select); coding-DNA position 169, C replaced by T.
Protein change: p.Arg57Ter; replaces arginine 57 with a stop codon.
Molecular consequence: nonsense. On other transcripts: non-coding transcript variant (1), intron variant (3).
Genome position (GRCh38, 1-based): chr22:29,636,805, C>T. VCF-style: chr22-29636805-C-T. GRCh37 (hg19) VCF-style: chr22-30032794-C-T.
Other names: c.169C>T, p.Arg57Ter (NM_016418.5, NM_181825.3, NM_181829.3 and 2 more transcripts); c.115-2285C>T (NM_181828.3); c.115-5397C>T (NM_181830.3, NM_181831.3); short protein forms R57*.
Identifiers: ClinVar variation 3285 (VCV000003285.22), dbSNP rs121434259, ClinGen allele CA021370.